The following is an entry in ClinVar:

ClinVar aggregate classification (germline): Uncertain significance (1 of 4 stars; one submission).

Submission:

Labcorp Genetics (formerly Invitae), Labcorp
Classification: Uncertain significance. Last evaluated: 2025-08-14. Review status: criteria provided, single submitter. Criteria: Invitae Variant Classification Sherloc (09022015). Collection method: clinical testing. Allele origin: germline.
Comment: This sequence change replaces methionine, which is neutral and non-polar, with isoleucine, which is neutral and non-polar, at codon 185 of the VAV1 protein (p.Met185Ile). This variant is not present in population databases (gnomAD no frequency). This variant has not been reported in the literature in individuals affected with VAV1-related conditions. An algorithm developed to predict the effect of missense changes on protein structure and function (PolyPhen-2) suggests that this variant is likely to be tolerated. In summary, the available evidence is currently insufficient to determine the role of this variant in disease. Therefore, it has been classified as a Variant of Uncertain Significance.

NM_005428.4(VAV1):c.555G>A (p.Met185Ile)

Gene: VAV1 (vav guanine nucleotide exchange factor 1; plus strand). Cytogenetic location: 19p13.3.
Variant type: single nucleotide variant.
Coding change: c.555G>A on transcript NM_005428.4 (MANE Select); coding-DNA position 555, G replaced by A.
Protein change: p.Met185Ile; replaces methionine 185 with isoleucine.
Molecular consequence: missense variant.
Genome position (GRCh38, 1-based): chr19:6,822,326, G>A. VCF-style: chr19-6822326-G-A. GRCh37 (hg19) VCF-style: chr19-6822337-G-A.
Other names: c.555G>A, p.Met185Ile (NM_001258206.2, NM_001258207.2); short protein forms M185I.
Identifiers: ClinVar variation 4724464 (VCV004724464.1).